The following is an entry in ClinVar:

ClinVar aggregate classification (germline): Pathogenic (0 of 4 stars; one submission).

Conditions:
Short stature. Identifiers: MedGen C0349588, HP:0004322.
Relative macrocephaly. Identifiers: MedGen C1849075, HP:0004482.

Allele frequency attached by ClinVar (database versions not stated): gnomAD exomes below 0.00001; gnomAD 0.00001; TOPMed 0.00001.
gnomAD v4.1: 3 of 1,613,964 alleles (0.00019%); highest among the groups gnomAD compares: Non-Finnish European, 0.00025%; no homozygotes.

Submission:

Lupski Lab, Baylor-Hopkins CMG, Baylor College of Medicine
Classification: Pathogenic for Relative macrocephaly; Short stature. Review status: no assertion criteria provided. Collection method: research. Allele origin: germline. Inheritance: Autosomal recessive inheritance. Affected: yes.

NM_001330195.2(NRXN3):c.1315A>G (p.Lys439Glu)

Genes: NRXN3 (neurexin 3; plus strand), LOC105370589 (uncharacterized LOC105370589; minus strand). Cytogenetic location: 14q24.3.
Variant type: single nucleotide variant.
Coding change: c.1315A>G on transcript NM_001330195.2 (MANE Select); coding-DNA position 1315, A replaced by G.
Protein change: p.Lys439Glu; replaces lysine 439 with glutamic acid.
Molecular consequence: missense variant. On other transcripts: non-coding transcript variant (4).
Genome position (GRCh38, 1-based): chr14:78,709,310, A>G. VCF-style: chr14-78709310-A-G. GRCh37 (hg19) VCF-style: chr14-79175653-A-G.
Other names: c.1315A>G, p.Lys439Glu (NM_001366425.1); c.1327A>G, p.Lys443Glu (NM_001366426.1); c.196A>G, p.Lys66Glu (NM_004796.6); short protein forms K66E, K439E, K443E.
Identifiers: ClinVar variation 375395 (VCV000375395.1), dbSNP rs1057519451, ClinGen allele CA16044234.